The following is an entry in ClinVar:

NM_000552.5(VWF):c.1733G>A (p.Arg578Lys)

Gene: VWF (von Willebrand factor; minus strand). Cytogenetic location: 12p13.31.
Variant type: single nucleotide variant.
Coding change: c.1733G>A on transcript NM_000552.5 (MANE Select); coding-DNA position 1733, G replaced by A.
Protein change: p.Arg578Lys; replaces arginine 578 with lysine.
Molecular consequence: missense variant.
Genome position (GRCh38, 1-based): chr12:6,057,069, C>T on the plus strand (G>A on the coding strand, the complement: VWF is on the minus strand). VCF-style: chr12-6057069-C-T. GRCh37 (hg19) VCF-style: chr12-6166235-C-T.
Other names: p.Arg578Lys; short protein forms R578K.
Identifiers: ClinVar variation 4541686 (VCV004541686.1).
Genomic context (GRCh38, chr12:6,057,069, plus strand): 5'-GCACGATGGCAGGCCTCGAATGTGGGGGACGTCAGGACCGCGCACGCCTCCTCGGAGAAC[C>T]TGGCTGTGGGGCGAGAGGAGCGAGCCTGGGATGTGGTGGGGAGGAGTGGGGGCCACGCCC-3'
Protein context (NP_000543.3, residues 568-588): DPCALNPRMT[Arg578Lys]FSEEACAVLT

ClinVar aggregate classification (germline): Uncertain significance (1 of 4 stars; one submission).

gnomAD v4.1: 2 of 1,537,826 alleles (0.00013%); highest among the groups gnomAD compares: Non-Finnish European, 0.00017%; no homozygotes.

Submission:

Mayo Clinic Laboratories, Mayo Clinic
Classification: Uncertain significance. Last evaluated: 2025-04-29. Review status: criteria provided, single submitter. Criteria: ACMG Guidelines, 2015. Collection method: clinical testing. Allele origin: germline. Observed: 1 variant allele.
Comment: BP4_moderate, PM1, PM2_supporting